The following is an entry in ClinVar:

ClinVar aggregate classification (germline): Uncertain significance (1 of 4 stars; one submission).

gnomAD v4.1: 4 of 1,614,064 alleles (0.00025%); highest among the groups gnomAD compares: Non-Finnish European, 0.00034%; no homozygotes.

Submission:

Labcorp Genetics (formerly Invitae), Labcorp
Classification: Uncertain significance. Last evaluated: 2021-12-19. Review status: criteria provided, single submitter. Criteria: Invitae Variant Classification Sherloc (09022015). Collection method: clinical testing. Allele origin: germline.
Comment: This sequence change replaces glycine, which is neutral and non-polar, with cysteine, which is neutral and slightly polar, at codon 1538 of the SBF1 protein (p.Gly1538Cys). This variant is not present in population databases (gnomAD no frequency). In summary, the available evidence is currently insufficient to determine the role of this variant in disease. Therefore, it has been classified as a Variant of Uncertain Significance. Algorithms developed to predict the effect of missense changes on protein structure and function are either unavailable or do not agree on the potential impact of this missense change (SIFT: "Deleterious"; PolyPhen-2: "Possibly Damaging"; Align-GVGD: "Class C0"). This variant has not been reported in the literature in individuals affected with SBF1-related conditions.

NM_002972.4(SBF1):c.4612G>T (p.Gly1538Cys)

Gene: SBF1 (SET binding factor 1; minus strand). Cytogenetic location: 22q13.33.
Variant type: single nucleotide variant.
Coding change: c.4612G>T on transcript NM_002972.4 (MANE Select); coding-DNA position 4612, G replaced by T.
Protein change: p.Gly1538Cys; replaces glycine 1538 with cysteine.
Molecular consequence: missense variant.
Genome position (GRCh38, 1-based): chr22:50,455,085, C>A on the plus strand (G>T on the coding strand, the complement: SBF1 is on the minus strand). VCF-style: chr22-50455085-C-A. GRCh37 (hg19) VCF-style: chr22-50893514-C-A.
Other names: c.4537G>T, p.Gly1513Cys (NM_001365819.1); c.4615G>T, p.Gly1539Cys (NM_001410794.1); c.4534G>T, p.Gly1512Cys (NM_001410795.1); c.4612G>T, p.Gly1538Cys (NM_197971.1); short protein forms G1512C, G1538C, G1513C, G1539C.
Identifiers: ClinVar variation 2190700 (VCV002190700.4), dbSNP rs200471909, ClinGen allele CA412194577.